The following is an entry in ClinVar:

NM_000051.4(ATM):c.4414T>G (p.Leu1472Val)

Gene: ATM (ATM serine/threonine kinase; plus strand). Cytogenetic location: 11q22.3.
Variant type: single nucleotide variant.
Coding change: c.4414T>G on transcript NM_000051.4 (MANE Select); coding-DNA position 4414, T replaced by G.
Protein change: p.Leu1472Val; replaces leucine 1472 with valine.
Molecular consequence: missense variant.
Genome position (GRCh38, 1-based): chr11:108,289,779, T>G. VCF-style: chr11-108289779-T-G. GRCh37 (hg19) VCF-style: chr11-108160506-T-G.
Other names: p.L1472V:TTG>GTG; NP_000042.3:p.Leu1472Val; c.4414T>G, p.Leu1472Val (NM_001351834.2); short protein forms L1472V.
Identifiers: ClinVar variation 127390 (VCV000127390.48), dbSNP rs539676759, ClinGen allele CA286849.

ClinVar aggregate classification (germline): Conflicting classifications of pathogenicity. Review status: criteria provided, conflicting classifications (1 of 4 stars). 21 submissions from 21 submitters: Uncertain significance (11); Likely benign (8). 2 of the submissions do not count toward it. Last evaluated 2026-03-02.

Conditions:
ATM-related cancer predisposition. Also called: ATM-related cancer susceptibility. Identifiers: MedGen CN377759, MONDO:0700270.
Hereditary cancer. Identifiers: MedGen C1333600.
ATM-related disorder. Also called: ATM-related disorders; ATM-related condition.
Familial cancer of breast. Also called: hereditary breast carcinoma; BREAST CANCER, FAMILIAL; Hereditary breast cancer. Identifiers: Orphanet 227535, MedGen C0346153, MONDO:0016419, OMIM 114480. Disease mechanism: loss of function.
Ataxia-telangiectasia syndrome (AT). Also called: LOUIS-BAR SYNDROME; ATAXIA-TELANGIECTASIA, COMPLEMENTATION GROUP A; ATAXIA-TELANGIECTASIA, FRESNO VARIANT; Ataxia-telangiectasia; Ataxia telangiectasia (A-T); Ataxia-telangiectasia, complementation group D. Identifiers: Orphanet 100, MedGen C0004135, MONDO:0008840, OMIM 208900.
Hereditary cancer-predisposing syndrome. Also called: Hereditary neoplastic syndrome; Neoplastic Syndromes, Hereditary; Tumor predisposition; Hereditary Cancer Syndrome. Identifiers: Orphanet 140162, MedGen C0027672, MeSH D009386, MONDO:0015356.
Hereditary breast ovarian cancer syndrome. Also called: BRCA1- and BRCA2-Associated Hereditary Breast and Ovarian Cancer; Hereditary breast and ovarian cancer syndrome; Hereditary breast and/or ovarian cancer syndrome; Hereditary breast and ovarian cancer; Hereditary breast and ovarian cancer syndrome (HBOC); Breast and ovarian cancer. Identifiers: Orphanet 145, MedGen C0677776, MeSH D061325, MONDO:0003582. Disease mechanism: loss of function.

Allele frequency attached by ClinVar (database versions not stated): ExAC 0.00006; gnomAD exomes 0.00008; gnomAD 0.00009; TOPMed 0.00011.
gnomAD v4.1: 134 of 1,613,082 alleles (0.0083%); highest among the groups gnomAD compares: Admixed American, 0.032%; no homozygotes.

Submissions 1 to 15 of 21:

Hema, HEMA – Genetic and Molecular Diagnostic Laboratory
Classification: Uncertain significance for ATM-related cancer predisposition. Last evaluated: 2026-03-02. Review status: criteria provided, single submitter. Criteria: HEMA Variant Classification Assertion Criteria. Collection method: clinical testing. Allele origin: germline.
Comment: The c.4414T>G p.(Leu1472Val) variant is a transversion from thymine to guanine, resulting in the substitution of leucine 1472 with valine. Currently, there is insufficient population, computational, or clinical evidence to determine its impact. Its allele frequency falls within an indeterminate range, and the computational predictor REVEL does not provide conclusive results. Therefore, it is not possible to apply criteria for pathogenicity or benignity.

Labcorp Genetics (formerly Invitae), Labcorp
Classification: Likely benign for Ataxia-telangiectasia syndrome. Last evaluated: 2026-02-04. Review status: criteria provided, single submitter. Criteria: Invitae Variant Classification Sherloc (09022015). Collection method: clinical testing. Allele origin: germline.

Quest Diagnostics Nichols Institute San Juan Capistrano
Classification: Uncertain significance. Last evaluated: 2025-07-18. Review status: criteria provided, single submitter. Criteria: Quest Diagnostics criteria. Collection method: clinical testing. Allele origin: unknown.

Laboratorio de I+D, Fundación Centro Médico de Asturias
Classification: Likely benign for Hereditary breast ovarian cancer syndrome. Last evaluated: 2025-07-08. Review status: criteria provided, single submitter. Criteria: ACMG Guidelines, 2015. Collection method: clinical testing. Allele origin: germline. Affected: yes.
Comment: BP4_Moderate+BP1+PM2_Supporting

PreventionGenetics, part of Exact Sciences
Classification: Likely benign for ATM-related condition. Last evaluated: 2025-05-27. Review status: criteria provided, single submitter. Criteria: ACMG Guidelines, 2015. Collection method: clinical testing. Allele origin: germline.
Comment: This variant is classified as likely benign based on ACMG/AMP sequence variant interpretation guidelines (Richards et al. 2015 PMID: 25741868, with internal and published modifications).

Color Diagnostics, LLC DBA Color Health
Classification: Uncertain significance for Hereditary cancer-predisposing syndrome. Last evaluated: 2025-04-08. Review status: criteria provided, single submitter. Criteria: ACMG Guidelines, 2015. Collection method: clinical testing. Allele origin: germline.
Comment: This missense variant replaces leucine with valine at codon 1472 of the ATM protein. Computational prediction suggests that this variant may not impact protein structure and function. To our knowledge, functional studies have not been performed for this variant. This variant has been reported in individuals affected with breast cancer (PMID: 20305132, 33606809) and Lynch syndrome-associated cancer and/or polyps (PMID: 25980754). In a large international case-control study, this variant was reported in 9/60457 breast cancer cases and 5/53456 controls (PMID: 33471991). This variant has also been identified in 24/282146 chromosomes in the general population by the Genome Aggregation Database (gnomAD). The available evidence is insufficient to determine the role of this variant in disease conclusively. Therefore, this variant is classified as a Variant of Uncertain Significance.

Center for Genomic Medicine, Rigshospitalet, Copenhagen University Hospital
Classification: Uncertain significance. Last evaluated: 2025-03-04. Review status: criteria provided, single submitter. Criteria: ACMG Guidelines, 2015. Collection method: clinical testing. Allele origin: germline.

Mayo Clinic Laboratories, Mayo Clinic
Classification: Uncertain significance. Last evaluated: 2025-01-11. Review status: criteria provided, single submitter. Criteria: ACMG Guidelines, 2015. Collection method: clinical testing. Allele origin: germline. Observed: 1 variant allele.

Department of Pathology and Laboratory Medicine, Sinai Health System
Classification: Uncertain significance for Familial cancer of breast; Ataxia-telangiectasia syndrome. Last evaluated: 2024-12-09. Review status: criteria provided, single submitter. Criteria: ACMG Guidelines, 2015. Collection method: clinical testing. Allele origin: germline. Affected: yes.

Blueprint Genetics
Classification: Uncertain significance. Last evaluated: 2024-08-08. Review status: criteria provided, single submitter. Criteria: ACMG Guidelines, 2015. Collection method: clinical testing. Allele origin: germline.

Myriad Genetics, Inc.
Classification: Likely benign for Familial cancer of breast. Last evaluated: 2024-05-17. Review status: criteria provided, single submitter. Criteria: Myriad Autosomal Dominant, Autosomal Recessive and X-Linked Classification Criteria (2023). Collection method: clinical testing. Allele origin: unknown.
Comment: This variant is considered likely benign. This variant is strongly associated with less severe personal and family histories of cancer, typical for individuals without pathogenic variants in this gene [PMID: 25085752].

Mendelics
Classification: Likely benign for Hereditary cancer. Last evaluated: 2024-01-23. Review status: criteria provided, single submitter. Criteria: ACMG Guidelines, 2015. Collection method: clinical testing. Allele origin: unknown.

Ambry Genetics
Classification: Likely benign for Hereditary cancer-predisposing syndrome. Last evaluated: 2023-01-10. Review status: criteria provided, single submitter. Criteria: Ambry Variant Classification Scheme 2023. Collection method: clinical testing. Allele origin: germline.

Women's Health and Genetics/Laboratory Corporation of America, LabCorp
Classification: Uncertain significance. Last evaluated: 2022-12-05. Review status: criteria provided, single submitter. Criteria: LabCorp Variant Classification Summary - May 2015. Collection method: clinical testing. Allele origin: germline.
Comment: Variant summary: ATM c.4414T>G (p.Leu1472Val) results in a conservative amino acid change in the encoded protein sequence. Three of five in-silico tools predict a damaging effect of the variant on protein function. The variant allele was found at a frequency of 7.6e-05 in 250738 control chromosomes. This frequency is not significantly higher than expected for a pathogenic variant in ATM causing Breast Cancer (7.6e-05 vs 0.001), allowing no conclusion about variant significance. c.4414T>G has been reported in the literature in individuals affected with breast cancer, prostate cancer, and other forms of cancer, as well as those being tested for Lynch syndrome (example, Bernstein_2010, Yurgelun_2015, Goldgar_2011, Girad_2019, Paulo_2018, Snow_2019). These reports do not provide unequivocal conclusions about association of the variant with Breast Cancer/ATM-related cancers/Ataxia Telangiectasia. To our knowledge, no experimental evidence demonstrating an impact on protein function has been reported. Ten clinical diagnostic laboratories have submitted clinical-significance assessments for this variant to ClinVar after 2014 without evidence for independent evaluation (likely benign, n=3, VUS, n=7). Based on the evidence outlined above, the variant was classified as uncertain significance.

National Health Laboratory Service, Universitas Academic Hospital and University of the Free State
Classification: Likely benign for Hereditary breast ovarian cancer syndrome. Last evaluated: 2022-04-19. Review status: criteria provided, single submitter. Criteria: ACMG Guidelines, 2015. Collection method: clinical testing. Allele origin: germline. Affected: yes. Observed: 1 variant allele.